The following is an entry in ClinVar:

NM_001077365.2(POMT1):c.1176-2A>G

Gene: POMT1 (protein O-mannosyltransferase 1; plus strand). Cytogenetic location: 9q34.13.
Variant type: single nucleotide variant.
Coding change: c.1176-2A>G on transcript NM_001077365.2 (MANE Select); the canonical splice acceptor site of the intron before coding-DNA position 1176, A replaced by G.
Molecular consequence: splice acceptor variant.
Genome position (GRCh38, 1-based): chr9:131,515,424, A>G. VCF-style: chr9-131515424-A-G. GRCh37 (hg19) VCF-style: chr9-134390811-A-G.
Other names: c.1176-2A>G (NM_001374690.1, NM_001136113.2); c.1086-2A>G (NM_001353196.2); c.825-2A>G (NM_001353195.2, NM_001374692.1, NM_001374693.1 and 2 more transcripts); c.786-2A>G (NM_001374695.1); c.1164-2A>G (NM_001374689.1); c.1080-2A>G (NM_001353197.2, NM_001353198.2); c.1014-2A>G (NM_001077366.2, NM_001353194.2); c.891-2A>G (NM_001353199.2); and 3 more.
Identifiers: ClinVar variation 1066221 (VCV001066221.19), dbSNP rs746523421, ClinGen allele CA5293574.

ClinVar aggregate classification (germline): Pathogenic/Likely pathogenic. Review status: criteria provided, multiple submitters, no conflicts (2 of 4 stars). 4 submissions from 4 submitters: Pathogenic (1); Likely pathogenic (3). Last evaluated 2025-11-01.

Conditions:
Walker-Warburg congenital muscular dystrophy. Also called: Muscular dystrophy-dystroglycanopathy, type A; Walker-Warburg syndrome. Identifiers: Orphanet 899, MedGen C0265221, MONDO:0000171.
Muscular dystrophy-dystroglycanopathy (congenital with impaired intellectual development), type B, 1. Also called: Muscular dystrophy-dystroglycanopathy (congenital with intellectual disability), type B1; MUSCULAR DYSTROPHY, CONGENITAL, POMT1-RELATED. Identifiers: MedGen C5436962, MONDO:0013159, OMIM 613155.
Autosomal recessive limb-girdle muscular dystrophy type 2K. Also called: MUSCULAR DYSTROPHY-DYSTROGLYCANOPATHY (LIMB-GIRDLE), TYPE C, 1; MUSCULAR DYSTROPHY, LIMB-GIRDLE, TYPE 2K. Identifiers: Orphanet 86812, MedGen C1836373, MONDO:0012248, OMIM 609308.
Muscular dystrophy-dystroglycanopathy (congenital with brain and eye anomalies), type A1 (MDDGA1). Also called: Muscular dystrophy-dystroglycanopathy (congenital with brain and eye anomalies), type A, 1; COD-MD SYNDROME; WALKER-WARBURG SYNDROME OR MUSCLE-EYE-BRAIN DISEASE, POMT1-RELATED; Hydrocephalus, agyria and retinal dysplasia; Hard +/- E syndrome; Warburg syndrome. Identifiers: Orphanet 588, Orphanet 899, MedGen C4284790, MONDO:0009364, OMIM 236670.

Allele frequency attached by ClinVar (database versions not stated): gnomAD 0.00001; gnomAD exomes 0.00001 and below 0.00001; TOPMed 0.00001; ExAC 0.00002.
gnomAD v4.1: 6 of 1,614,016 alleles (0.00037%); highest among the groups gnomAD compares: Non-Finnish European, 0.00051%; no homozygotes.

Submissions (6):

CeGaT Center for Human Genetics Tuebingen
Classification: Pathogenic. Last evaluated: 2025-11-01. Review status: criteria provided, single submitter. Criteria: CeGaT Center For Human Genetics Tuebingen Variant Classification Criteria Version 2. Collection method: clinical testing. Allele origin: germline. Affected: yes. Observed: 2 variant alleles.
Comment: POMT1: PVS1, PM2, PM3

Revvity Omics, Revvity
Classification: Likely pathogenic. Last evaluated: 2024-09-08. Review status: criteria provided, single submitter. Criteria: ACMG Guidelines, 2015. Collection method: clinical testing. Allele origin: germline.

Baylor Genetics
Classification: Likely pathogenic for Muscular dystrophy-dystroglycanopathy (congenital with brain and eye anomalies), type A1. Last evaluated: 2024-03-25. Review status: criteria provided, single submitter. Criteria: ACMG Guidelines, 2015. Collection method: clinical testing. Allele origin: unknown.

Labcorp Genetics (formerly Invitae), Labcorp
Classification: Likely pathogenic for Muscular dystrophy-dystroglycanopathy (congenital with impaired intellectual development), type B, 1; Walker-Warburg congenital muscular dystrophy; Autosomal recessive limb-girdle muscular dystrophy type 2K. Last evaluated: 2023-12-11. Review status: criteria provided, single submitter. Criteria: Invitae Variant Classification Sherloc (09022015). Collection method: clinical testing. Allele origin: germline.
Comment: This sequence change affects an acceptor splice site in intron 12 of the POMT1 gene. It is expected to disrupt RNA splicing. Variants that disrupt the donor or acceptor splice site typically lead to a loss of protein function (PMID: 16199547), and loss-of-function variants in POMT1 are known to be pathogenic (PMID: 12369018, 15637732, 16575835). This variant is present in population databases (rs746523421, gnomAD 0.003%). This variant has not been reported in the literature in individuals affected with POMT1-related conditions. ClinVar contains an entry for this variant (Variation ID: 1066221). Algorithms developed to predict the effect of sequence changes on RNA splicing suggest that this variant may disrupt the consensus splice site. In summary, the currently available evidence indicates that the variant is pathogenic, but additional data are needed to prove that conclusively. Therefore, this variant has been classified as Likely Pathogenic.

Dr. Peter K. Rogan Lab, Western University
No classification provided (evidence only). Condition: Thyroid cancer, nonmedullary, 1. Review status: no classification provided. Collection method: in vitro. Allele origin: not applicable. Functional consequence: skipped exon, retained intron. Not counted in ClinVar's aggregate classification.

Dr. Peter K. Rogan Lab, Western University
No classification provided (evidence only). Condition: Ovarian serous cystadenocarcinoma. Review status: no classification provided. Collection method: in vitro. Allele origin: not applicable. Functional consequence: retained intron. Not counted in ClinVar's aggregate classification.

Literature cited by the submitters: PubMed 16199547 (cited by Labcorp Genetics (formerly Invitae), Labcorp); PubMed 12369018 (cited by Labcorp Genetics (formerly Invitae), Labcorp); PubMed 15637732 (cited by Labcorp Genetics (formerly Invitae), Labcorp); PubMed 16575835 (cited by Labcorp Genetics (formerly Invitae), Labcorp).